The following is an entry in ClinVar:

ClinVar aggregate classification (germline): Uncertain significance (0 of 4 stars; one submission).

Submission:

Biesecker Lab/Clinical Genomics Section, National Institutes of Health
Classification: Uncertain significance. Last evaluated: 2012-07-13. Review status: no assertion criteria provided. Collection method: research. Allele origin: germline. Affected: no. Observed: 1 variant allele. Study: ClinSeq.
ClinVar note: Converted during submission from variant of unknown significance to Uncertain significance.

NM_001042492.3(NF1):c.1814T>C (p.Ile605Thr)

Gene: NF1 (neurofibromin 1; plus strand). Cytogenetic location: 17q11.2.
Variant type: single nucleotide variant.
Coding change: c.1814T>C on transcript NM_001042492.3 (MANE Select); coding-DNA position 1814, T replaced by C.
Protein change: p.Ile605Thr; replaces isoleucine 605 with threonine.
Molecular consequence: missense variant.
Genome position (GRCh38, 1-based): chr17:31,223,536, T>C. VCF-style: chr17-31223536-T-C. GRCh37 (hg19) VCF-style: chr17-29550554-T-C.
Other names: c.1814T>C, p.Ile605Thr (NM_000267.4); short protein forms I605T.
Identifiers: ClinVar variation 41668 (VCV000041668.2), dbSNP rs386833409, ClinGen allele CA215730.